The following is an entry in ClinVar:

ClinVar aggregate classification (germline): Uncertain significance. Review status: criteria provided, multiple submitters, no conflicts (2 of 4 stars). 2 submissions from 2 submitters: Uncertain significance (2). Last evaluated 2025-07-15.

Conditions:
Inborn genetic diseases. Identifiers: MedGen C0950123, MeSH D030342.
Short-rib thoracic dysplasia 11 with or without polydactyly (SRTD11). Also called: SHORT-RIB THORACIC DYSPLASIA 11 WITHOUT POLYDACTYLY. Identifiers: Orphanet 474, Orphanet 93271, MedGen C3810200, MONDO:0014287, OMIM 615633.

Allele frequency attached by ClinVar (database versions not stated): gnomAD 0.00001; gnomAD exomes 0.00001; TOPMed 0.00001; ExAC 0.00003.
gnomAD v4.1: 16 of 1,612,992 alleles (0.00099%); highest among the groups gnomAD compares: African/African-American, 0.004%; no homozygotes.

Submissions (2):

Ambry Genetics
Classification: Uncertain significance for Inborn genetic diseases. Last evaluated: 2025-07-15. Review status: criteria provided, single submitter. Criteria: Ambry Variant Classification Scheme 2023. Collection method: clinical testing. Allele origin: germline.

Labcorp Genetics (formerly Invitae), Labcorp
Classification: Uncertain significance for Short-rib thoracic dysplasia 11 with or without polydactyly. Last evaluated: 2022-02-08. Review status: criteria provided, single submitter. Criteria: Invitae Variant Classification Sherloc (09022015). Collection method: clinical testing. Allele origin: germline.
Comment: This sequence change replaces proline, which is neutral and non-polar, with leucine, which is neutral and non-polar, at codon 253 of the WDR34 protein (p.Pro253Leu). This variant is present in population databases (rs764655408, gnomAD 0.007%). This variant has not been reported in the literature in individuals affected with WDR34-related conditions. Algorithms developed to predict the effect of missense changes on protein structure and function are either unavailable or do not agree on the potential impact of this missense change (SIFT: "Deleterious"; PolyPhen-2: "Benign"; Align-GVGD: "Class C65"). In summary, the available evidence is currently insufficient to determine the role of this variant in disease. Therefore, it has been classified as a Variant of Uncertain Significance.

NM_052844.4(DYNC2I2):c.758C>T (p.Pro253Leu)

Genes: DYNC2I2 (dynein 2 intermediate chain 2; minus strand), LOC126860772 (CDK7 strongly-dependent group 2 enhancer GRCh37_chr9:131396972-131398171; plus strand). Cytogenetic location: 9q34.11.
Variant type: single nucleotide variant.
Coding change: c.758C>T on transcript NM_052844.4 (MANE Select); coding-DNA position 758, C replaced by T.
Protein change: p.Pro253Leu; replaces proline 253 with leucine.
Molecular consequence: missense variant.
Genome position (GRCh38, 1-based): chr9:128,635,713, G>A on the plus strand (C>T on the coding strand, the complement: DYNC2I2 is on the minus strand). VCF-style: chr9-128635713-G-A. GRCh37 (hg19) VCF-style: chr9-131397992-G-A.
Other names: c.758C>T (NM_052844.3); short protein forms P253L.
Identifiers: ClinVar variation 2062451 (VCV002062451.2), dbSNP rs764655408, ClinGen allele CA5266485.